The following is an entry in ClinVar:

ClinVar aggregate classification (germline): Benign (1 of 4 stars; one submission).

Conditions:
Landau-Kleffner syndrome (FESD). Also called: EPILEPSY, FOCAL, WITH SPEECH DISORDER AND WITH OR WITHOUT MENTAL RETARDATION; APHASIA, ACQUIRED, WITH EPILEPSY. Identifiers: Orphanet 1945, Orphanet 725, Orphanet 98818, MedGen C0282512, MONDO:0009509, OMIM 245570.

Allele frequency attached by ClinVar (database versions not stated): gnomAD 0.00065 and 0.00044; gnomAD exomes 0.00061; TOPMed 0.00062; 1000 Genomes Project 30x 0.00297; 1000 Genomes Project 0.00240.
gnomAD v4.1: 176 of 209,836 alleles (0.084%); highest among the groups gnomAD compares: South Asian, 1.4%; 2 homozygotes.

Submission:

Illumina Laboratory Services, Illumina
Classification: Benign for Landau-Kleffner syndrome. Last evaluated: 2018-01-12. Review status: criteria provided, single submitter. Criteria: ICSL Variant Classification Criteria 13 December 2019. Collection method: clinical testing. Allele origin: germline.
Comment: This variant was observed in the ICSL laboratory as part of a predisposition screen in an ostensibly healthy population. It had not been previously curated by ICSL or reported in the Human Gene Mutation Database (HGMD: prior to June 1st, 2018), and was therefore a candidate for classification through an automated scoring system. Utilizing variant allele frequency, disease prevalence and penetrance estimates, and inheritance mode, an automated score was calculated to assess if this variant is too frequent to cause the disease. Based on the score and internal cut-off values, a variant classified as benign is not then subjected to further curation. The score for this variant resulted in a classification of benign for this disease.

NM_001134407.3(GRIN2A):c.*6601G>C

Gene: GRIN2A (glutamate ionotropic receptor NMDA type subunit 2A; minus strand). Cytogenetic location: 16p13.2.
Variant type: single nucleotide variant.
Coding change: c.*6601G>C on transcript NM_001134407.3 (MANE Select); 6601 bases downstream of the stop codon, G replaced by C.
Molecular consequence: 3 prime UTR variant.
Genome position (GRCh38, 1-based): chr16:9,756,548, C>G on the plus strand (G>C on the coding strand, the complement: GRIN2A is on the minus strand). VCF-style: chr16-9756548-C-G. GRCh37 (hg19) VCF-style: chr16-9850405-C-G.
Other names: c.*6601G>C (NM_000833.5); c.*6807G>C (NM_001134408.2).
Identifiers: ClinVar variation 321502 (VCV000321502.5), dbSNP rs565650930, ClinGen allele CA10649400.